The following is an entry in ClinVar:

ClinVar aggregate classification (germline): Uncertain significance. Review status: criteria provided, multiple submitters, no conflicts (2 of 4 stars). 2 submissions from 2 submitters: Uncertain significance (2). Last evaluated 2025-04-14.

Conditions:
Hereditary cancer-predisposing syndrome. Also called: Tumor predisposition; Hereditary Cancer Syndrome; Neoplastic Syndromes, Hereditary; Hereditary neoplastic syndrome. Identifiers: Orphanet 140162, MedGen C0027672, MeSH D009386, MONDO:0015356.
Hereditary breast ovarian cancer syndrome. Also called: Hereditary breast and ovarian cancer; Breast and ovarian cancer; Hereditary breast and/or ovarian cancer syndrome; Hereditary breast and ovarian cancer syndrome; BRCA1- and BRCA2-Associated Hereditary Breast and Ovarian Cancer; Hereditary breast and ovarian cancer syndrome (HBOC). Identifiers: Orphanet 145, MedGen C0677776, MeSH D061325, MONDO:0003582. Disease mechanism: loss of function.

Submissions (2):

Labcorp Genetics (formerly Invitae), Labcorp
Classification: Uncertain significance for Hereditary breast ovarian cancer syndrome. Last evaluated: 2025-04-14. Review status: criteria provided, single submitter. Criteria: Invitae Variant Classification Sherloc (09022015). Collection method: clinical testing. Allele origin: germline.
Comment: This sequence change replaces glycine, which is neutral and non-polar, with valine, which is neutral and non-polar, at codon 3358 of the BRCA2 protein (p.Gly3358Val). This variant is not present in population databases (gnomAD no frequency). This variant has not been reported in the literature in individuals affected with BRCA2-related conditions. ClinVar contains an entry for this variant (Variation ID: 821997). Invitae Evidence Modeling of protein sequence and biophysical properties (such as structural, functional, and spatial information, amino acid conservation, physicochemical variation, residue mobility, and thermodynamic stability) indicates that this missense variant is not expected to disrupt BRCA2 protein function with a negative predictive value of 95%. In summary, the available evidence is currently insufficient to determine the role of this variant in disease. Therefore, it has been classified as a Variant of Uncertain Significance.

Ambry Genetics
Classification: Uncertain significance for Hereditary cancer-predisposing syndrome. Last evaluated: 2023-02-04. Review status: criteria provided, single submitter. Criteria: Ambry Variant Classification Scheme 2023. Collection method: clinical testing. Allele origin: germline.
Comment: The p.G3358V variant (also known as c.10073G>T), located in coding exon 26 of the BRCA2 gene, results from a G to T substitution at nucleotide position 10073. The glycine at codon 3358 is replaced by valine, an amino acid with dissimilar properties. This amino acid position is not well conserved in available vertebrate species. In addition, this alteration is predicted to be tolerated by in silico analysis. Since supporting evidence is limited at this time, the clinical significance of this alteration remains unclear.

NM_000059.4(BRCA2):c.10073G>T (p.Gly3358Val)

Gene: BRCA2 (BRCA2 DNA repair associated; plus strand). Cytogenetic location: 13q13.1.
Variant type: single nucleotide variant.
Coding change: c.10073G>T on transcript NM_000059.4 (MANE Select); coding-DNA position 10073, G replaced by T.
Protein change: p.Gly3358Val; replaces glycine 3358 with valine.
Molecular consequence: missense variant.
Genome position (GRCh38, 1-based): chr13:32,398,586, G>T. VCF-style: chr13-32398586-G-T. GRCh37 (hg19) VCF-style: chr13-32972723-G-T.
Other names: short protein forms G3358V.
Identifiers: ClinVar variation 821997 (VCV000821997.14), dbSNP rs1593202255, ClinGen allele CA387767905.